The following continues an entry in ClinVar:

NM_000535.7(PMS2):c.2437C>T (p.Arg813Trp)

Gene: PMS2. ClinVar aggregate classification (germline): Conflicting classifications of pathogenicity. Uncertain significance (13); Benign (1); Likely benign (1).

Submissions 14 to 18 of 18:

Quest Diagnostics Nichols Institute San Juan Capistrano
Classification: Uncertain significance. Last evaluated: 2023-05-22. Review status: criteria provided, single submitter. Criteria: Quest Diagnostics criteria. Collection method: clinical testing. Allele origin: unknown.
Comment: In the published literature, the variant has been reported in individuals with a personal or family history of colorectal cancer (PMID: 26900293 (2016), 33413596 (2021)) and breast cancer (PMID: 35449176 (2022), 36200007 (2022)). In a large-scale breast cancer association study, the variant was observed in individuals with breast cancer as well as in unaffected individuals (see LOVD and PMID: 33471991 (2021)). The frequency of this variant in the general population, 0.00035 (6/17216 chromosomes in East Asian subpopulation (Genome Aggregation Database)), is higher than would generally be expected for pathogenic variants in this gene. Analysis of this variant using bioinformatics tools for the prediction of the effect of amino acid changes on protein structure and function yielded predictions that this variant is damaging. Based on the available information, we are unable to determine the clinical significance of this variant.

Genetic Services Laboratory, University of Chicago
Classification: Uncertain significance. Last evaluated: 2016-10-21. Review status: criteria provided, single submitter. Criteria: ACMG Guidelines, 2015. Collection method: clinical testing. Allele origin: germline. Affected: no.

Diagnostic Laboratory, Department of Genetics, University Medical Center Groningen
Classification: Uncertain significance. Review status: no assertion criteria provided. Collection method: clinical testing. Allele origin: germline. Affected: yes. Study: VKGL Data-share Consensus. Not counted in ClinVar's aggregate classification.

Joint Genome Diagnostic Labs from Nijmegen and Maastricht, Radboudumc and MUMC+
Classification: Uncertain significance. Review status: no assertion criteria provided. Collection method: clinical testing. Allele origin: germline. Affected: yes. Study: VKGL Data-share Consensus. Not counted in ClinVar's aggregate classification.

Laboratory of Molecular Epidemiology of Birth Defects, West China Second University Hospital, Sichuan University
Classification: Likely pathogenic for Ovarian cancer. Last evaluated: 2022-01-01. Review status: flagged submission. Criteria: ACMG Guidelines, 2015. Collection method: clinical testing. Allele origin: germline. Affected: yes. Not counted in ClinVar's aggregate classification.
ClinVar note: Reason: Outlier claim with insufficient supporting evidence

Literature cited by the submitters: PubMed 26900293 (cited by 5 submitters); PubMed 33413596 (cited by 4 submitters); PubMed 34172528 (cited by Color Diagnostics, LLC DBA Color Health); PubMed 31830689 (cited by Ambry Genetics); PubMed 32832836 (cited by Ambry Genetics); PubMed 36200007 (cited by 4 submitters); PubMed 33850299 (cited by Women's Health and Genetics/Laboratory Corporation of America, LabCorp); PubMed 34567566 (cited by Women's Health and Genetics/Laboratory Corporation of America, LabCorp); PubMed 35449176 (cited by Women's Health and Genetics/Laboratory Corporation of America, LabCorp and Quest Diagnostics Nichols Institute San Juan Capistrano); PubMed 37534630 (cited by Women's Health and Genetics/Laboratory Corporation of America, LabCorp); PubMed 33471991 (cited by Department of Pathology and Laboratory Medicine, Sinai Health System and Quest Diagnostics Nichols Institute San Juan Capistrano).